The following is an entry in ClinVar:

NM_000202.8(IDS):c.596_599del (p.Lys199fs)

Genes: IDS (iduronate 2-sulfatase; minus strand), LOC106050102 (IDS recombination region; plus strand). Cytogenetic location: Xq28.
Variant type: Deletion.
Coding change: c.596_599del on transcript NM_000202.8 (MANE Select); coding-DNA positions 596 to 599, 4 bases deleted (AACA; older notation c.596_599delAACA).
Protein change: p.Lys199fs; shifts the reading frame from lysine 199.
Molecular consequence: frameshift variant. On other transcripts: non-coding transcript variant (1).
Genome position (GRCh38, 1-based): chrX:149,498,216-149,498,219, TGTT deleted on the plus strand (AACA on the coding strand, the reverse complement: IDS is on the minus strand); deleting any 4 consecutive bases within chrX:149,498,216-149,498,222 gives the same sequence; the c. name uses the placement nearest the transcript's 3' end. VCF-style (leftmost placement, unchanged base first): chrX-149498215-CTGTT-C. GRCh37 (hg19) VCF-style: chrX-148579746-CTGTT-C.
Other names: c.326_329del, p.Lys109fs (NM_001166550.4); c.596_599del, p.Lys199fs (NM_006123.5); c.596_599delAACA (NM_000202.8); short protein forms K199fs, K109fs.
Identifiers: ClinVar variation 968377 (VCV000968377.13), dbSNP rs2089451657, ClinGen allele CA519058368.

ClinVar aggregate classification (germline): Pathogenic. Review status: criteria provided, multiple submitters, no conflicts (2 of 4 stars). 3 submissions from 3 submitters: Pathogenic (2). 1 of the submissions does not count toward it. Last evaluated 2024-06-07.

Conditions:
Mucopolysaccharidosis, MPS-II (MPS2). Also called: Attenuated MPS (subtype; formerly known as mild MPS II); Severe MPS II; I2S deficiency; MPS 2; Hunter Syndrome; IDURONATE 2-SULFATASE DEFICIENCY. Identifiers: Orphanet 580, Orphanet 79388, MedGen C0026705, MONDO:0010674, OMIM 309900.

Submissions (3):

Laboratory of Diagnosis and Therapy of Lysosomal Disorders, University of Padova
Classification: Pathogenic for Mucopolysaccharidosis, MPS-II. Last evaluated: 2024-06-07. Review status: criteria provided, single submitter. Criteria: ACMG Guidelines, 2015. Collection method: literature only. Allele origin: germline. Affected: yes. Observed: 21 variant alleles.
Comment: Null variant (PVS1_VeryStrong), Prevalence of the variant significantly increased in affected individuals compared with controls (PS4_Strong), Absent from controls (or at low frequency) in gnomAD database (PM2_Moderate), Patient’s phenotype or family history highly specific for the disease (PP4_Strong)

Classification method: ACMG Guidelines [PMID:25741868] with modifications

Labcorp Genetics (formerly Invitae), Labcorp
Classification: Pathogenic for Mucopolysaccharidosis, MPS-II. Last evaluated: 2019-11-15. Review status: criteria provided, single submitter. Criteria: Invitae Variant Classification Sherloc (09022015). Collection method: clinical testing. Allele origin: germline.
Comment: For these reasons, this variant has been classified as Pathogenic. Loss-of-function variants in IDS are known to be pathogenic (PMID: 8940265, 9875019). This variant has been observed in individual(s) with Hunter syndrome (PMID: 7866405, 26762690). This variant is also known as 717del4 in the literature. This variant is not present in population databases (ExAC no frequency). This sequence change creates a premature translational stop signal (p.Lys199Argfs*13) in the IDS gene. It is expected to result in an absent or disrupted protein product.

Division of Medical Genetics, Department of Pediatrics, All India Institute of Medical Sciences, New Delhi
Classification: Likely pathogenic for Mucopolysaccharidosis, MPS-II. Last evaluated: 2014-07-01. Review status: no assertion criteria provided. Collection method: research. Allele origin: germline. Inheritance: X-linked recessive inheritance. Affected: yes. Observed: 3 variant alleles, 3 hemizygotes. Clinical features observed: Coarse facial features (HP:0000280), Arthropathy (HP:0003040), Hepatosplenomegaly (HP:0001433), Delayed gross motor development (HP:0002194), Intellectual disability (HP:0001249), Hearing impairment (HP:0000365), Abnormal echocardiogram (HP:0003116), Hernia (HP:0100790). Not counted in ClinVar's aggregate classification.
Comment: The change c.596_599delAACA, (p.K199Rfs*13) was found to be a novel small frame-shift deletion variant in which four base deletion leads to frameshift change in the ORF of the translated peptide leading to the substitution of basic polar amino acid Lysine at 199 position by another basic polar amino acid Arginine. This leads to change in peptide sequence and formation of a stop codon 13 amino acid downstream the mutation. In silico analysis by the web tool Mutation Taster characterise it as a "Disease causing" pathogenic variant. It was detected in two families, one with two affected male sibs and other with the single affected male patient all were presented with attenuated phenotypes and hailed from Delhi.

Literature cited by the submitters: PubMed 35144014 (cited by Laboratory of Diagnosis and Therapy of Lysosomal Disorders, University of Padova); PubMed 26762690 (cited by Laboratory of Diagnosis and Therapy of Lysosomal Disorders, University of Padova and Labcorp Genetics (formerly Invitae), Labcorp); PubMed 24780617 (cited by Laboratory of Diagnosis and Therapy of Lysosomal Disorders, University of Padova); PubMed 34813777 (cited by Laboratory of Diagnosis and Therapy of Lysosomal Disorders, University of Padova); PubMed 9501270 (cited by Laboratory of Diagnosis and Therapy of Lysosomal Disorders, University of Padova); PubMed 9950361 (cited by Laboratory of Diagnosis and Therapy of Lysosomal Disorders, University of Padova); PubMed 33676511 (cited by Laboratory of Diagnosis and Therapy of Lysosomal Disorders, University of Padova); PubMed 21291454 (cited by Laboratory of Diagnosis and Therapy of Lysosomal Disorders, University of Padova); PubMed 10220152 (cited by Laboratory of Diagnosis and Therapy of Lysosomal Disorders, University of Padova); PubMed 21829674 (cited by Laboratory of Diagnosis and Therapy of Lysosomal Disorders, University of Padova); PubMed 36713083 (cited by Laboratory of Diagnosis and Therapy of Lysosomal Disorders, University of Padova); PubMed 36945845 (cited by Laboratory of Diagnosis and Therapy of Lysosomal Disorders, University of Padova); PubMed 8940265 (cited by Labcorp Genetics (formerly Invitae), Labcorp); PubMed 9875019 (cited by Labcorp Genetics (formerly Invitae), Labcorp); PubMed 7866405 (cited by Labcorp Genetics (formerly Invitae), Labcorp).